The following is an entry in ClinVar:

NM_001271838.2(RSRC1):c.363T>C (p.Ser121=)

Gene: RSRC1 (arginine and serine rich coiled-coil 1; plus strand). Cytogenetic location: 3q25.32.
Variant type: single nucleotide variant.
Coding change: c.363T>C on transcript NM_001271838.2 (MANE Select); coding-DNA position 363, T replaced by C.
Protein change: p.Ser121=; no amino-acid change (serine 121 retained).
Molecular consequence: synonymous variant. On other transcripts: intron variant (1).
Genome position (GRCh38, 1-based): chr3:158,203,114, T>C. VCF-style: chr3-158203114-T-C. GRCh37 (hg19) VCF-style: chr3-157920903-T-C.
Other names: c.363T>C, p.Ser121= (NM_016625.4); c.320+79123T>C (NM_001271834.2).
Identifiers: ClinVar variation 4872725 (VCV004872725.2).
Genomic context (GRCh38, chr3:158,203,114, plus strand): 5'-AAAATCTGCTTACTGTAGGTCCAGGTCAAGACCTCGTCTCCGTTCTCATAGTCGTAGCAG[T>C]GAAAGGTCCAGTCACAGAAGAACGCGTAGTCGGTCTCGGGATAGAGAACGACGTAAGGGC-3'
Protein context (NP_001258767.1, residues 111-131): RPRLRSHSRS[Ser121=]ERSSHRRTRS

ClinVar aggregate classification (germline): Likely benign (1 of 4 stars; one submission).

gnomAD v4.1: 79 of 1,613,538 alleles (0.0049%); highest among the groups gnomAD compares: Admixed American, 0.0083%; no homozygotes.

Submission:

CeGaT Center for Human Genetics Tuebingen
Classification: Likely benign. Last evaluated: 2026-06-01. Review status: criteria provided, single submitter. Criteria: CeGaT Center For Human Genetics Tuebingen Variant Classification Criteria Version 2. Collection method: clinical testing. Allele origin: germline. Affected: yes. Observed: 1 variant allele.
Comment: RSRC1: BP4, BP7